The following is an entry in ClinVar:

NM_000587.4(C7):c.1518G>A (p.Trp506Ter)

Gene: C7 (complement C7; plus strand). Cytogenetic location: 5p13.1.
Variant type: single nucleotide variant.
Coding change: c.1518G>A on transcript NM_000587.4 (MANE Select); coding-DNA position 1518, G replaced by A.
Protein change: p.Trp506Ter; replaces tryptophan 506 with a stop codon.
Molecular consequence: nonsense.
Genome position (GRCh38, 1-based): chr5:40,959,477, G>A. VCF-style: chr5-40959477-G-A. GRCh37 (hg19) VCF-style: chr5-40959579-G-A.
Other names: short protein forms W506*.
Identifiers: ClinVar variation 1430910 (VCV001430910.6), dbSNP rs770721343, ClinGen allele CA3250005.

ClinVar aggregate classification (germline): Pathogenic (1 of 4 stars; one submission).

Allele frequency attached by ClinVar (database versions not stated): gnomAD exomes 0.00001; ExAC 0.00002.
gnomAD v4.1: 21 of 1,611,200 alleles (0.0013%); highest among the groups gnomAD compares: Non-Finnish European, 0.0016%; no homozygotes.

Submission:

Labcorp Genetics (formerly Invitae), Labcorp
Classification: Pathogenic. Last evaluated: 2021-03-07. Review status: criteria provided, single submitter. Criteria: Invitae Variant Classification Sherloc (09022015). Collection method: clinical testing. Allele origin: germline.
Comment: This sequence change creates a premature translational stop signal (p.Trp506*) in the C7 gene. It is expected to result in an absent or disrupted protein product. Loss-of-function variants in C7 are known to be pathogenic (PMID: 9856499, 17407100). For these reasons, this variant has been classified as Pathogenic. This variant has not been reported in the literature in individuals with C7-related conditions. This variant is present in population databases (rs770721343, ExAC 0.004%).

Literature cited by the submitters: PubMed 9856499; PubMed 17407100.